The following is an entry in ClinVar:

ClinVar aggregate classification (germline): Uncertain significance (1 of 4 stars; one submission).

Allele frequency attached by ClinVar (database versions not stated): gnomAD 0.00007 and 0.00006; ExAC 0.00008; ESP Exome Variant Server 0.00015; TOPMed 0.00005.
gnomAD v4.1: 64 of 1,610,076 alleles (0.004%); highest among the groups gnomAD compares: Middle Eastern, 0.016%; 1 homozygote.

Submission:

Labcorp Genetics (formerly Invitae), Labcorp
Classification: Uncertain significance. Last evaluated: 2025-07-15. Review status: criteria provided, single submitter. Criteria: Invitae Variant Classification Sherloc (09022015). Collection method: clinical testing. Allele origin: germline.
Comment: This sequence change replaces alanine, which is neutral and non-polar, with valine, which is neutral and non-polar, at codon 78 of the TYROBP protein (p.Ala78Val). This variant is present in population databases (rs150310136, gnomAD 0.01%). This variant has not been reported in the literature in individuals affected with TYROBP-related conditions. ClinVar contains an entry for this variant (Variation ID: 1364934). An algorithm developed to predict the effect of missense changes on protein structure and function outputs the following: PolyPhen-2: "Benign". The valine amino acid residue is found in multiple mammalian species, which suggests that this missense change does not adversely affect protein function. In summary, the available evidence is currently insufficient to determine the role of this variant in disease. Therefore, it has been classified as a Variant of Uncertain Significance.

NM_003332.4(TYROBP):c.233C>T (p.Ala78Val)

Gene: TYROBP (transmembrane immune signaling adaptor TYROBP; minus strand). Cytogenetic location: 19q13.12.
Variant type: single nucleotide variant.
Coding change: c.233C>T on transcript NM_003332.4 (MANE Select); coding-DNA position 233, C replaced by T.
Protein change: p.Ala78Val; replaces alanine 78 with valine.
Molecular consequence: missense variant. On other transcripts: non-coding transcript variant (1).
Genome position (GRCh38, 1-based): chr19:35,907,261, G>A on the plus strand (C>T on the coding strand, the complement: TYROBP is on the minus strand). VCF-style: chr19-35907261-G-A. GRCh37 (hg19) VCF-style: chr19-36398163-G-A.
Other names: c.200C>T, p.Ala67Val (NM_001173514.2); c.197C>T, p.Ala66Val (NM_001173515.2); c.230C>T, p.Ala77Val (NM_198125.3); short protein forms A66V, A78V, A67V, A77V.
Identifiers: ClinVar variation 1364934 (VCV001364934.6), dbSNP rs150310136, ClinGen allele CA9393038.
Genomic context (GRCh38, chr19:35,907,261, plus strand): 5'-CAGTCTGGTTTTCTCACCTGATAAGGCGACTCGGTCTCAGTGATACGCTGTTTCCGGGTC[G>A]CTGCTGGAGGTGAGGGGTGTTGTGGGGTGCAGAGACAGGCAGAGTGGTGAGTTGAGGGTG-3'
Protein context (NP_003323.1, residues 68-88): VPRGRGAAEA[Ala78Val]TRKQRITETE